The following is an entry in ClinVar:

ClinVar aggregate classification (germline): Pathogenic/Likely pathogenic. Review status: criteria provided, multiple submitters, no conflicts (2 of 4 stars). 3 submissions from 3 submitters: Pathogenic (1); Likely pathogenic (2). Last evaluated 2023-05-24.

Conditions:
Retinitis pigmentosa 12 (RP12). Also called: RP WITH OR WITHOUT PPRPE; RP WITH OR WITHOUT PRESERVED PARAARTERIOLE RETINAL PIGMENT EPITHELIUM; RETINITIS PIGMENTOSA WITH OR WITHOUT PARAARTERIOLAR PRESERVATION OF RETINAL PIGMENT EPITHELIUM. Identifiers: Orphanet 791, MedGen C1838647, MONDO:0010818, OMIM 600105.
Leber congenital amaurosis 8 (LCA8). Identifiers: Orphanet 65, MedGen C3151202, MONDO:0013453, OMIM 613835.
CRB1-related disorder. Also called: CRB1-related condition; CRB1-related disorders.

Submissions (3):

Labcorp Genetics (formerly Invitae), Labcorp
Classification: Pathogenic for Leber congenital amaurosis 8; Retinitis pigmentosa 12. Last evaluated: 2023-05-24. Review status: criteria provided, single submitter. Criteria: Invitae Variant Classification Sherloc (09022015). Collection method: clinical testing. Allele origin: germline.
Comment: For these reasons, this variant has been classified as Pathogenic. ClinVar contains an entry for this variant (Variation ID: 1065655). This variant has not been reported in the literature in individuals affected with CRB1-related conditions. This variant is not present in population databases (gnomAD no frequency). This sequence change creates a premature translational stop signal (p.Asn7Thrfs*16) in the CRB1 gene. It is expected to result in an absent or disrupted protein product. Loss-of-function variants in CRB1 are known to be pathogenic (PMID: 10508521, 22065545, 23379534, 25412400, 26957898, 28041643, 29391521).

Blueprint Genetics
Classification: Likely pathogenic for CRB1-related disorders. Last evaluated: 2022-04-05. Review status: criteria provided, single submitter. Criteria: ACMG Guidelines, 2015. Collection method: clinical testing. Allele origin: germline. Affected: yes. Observed: 1 variant allele.

Ocular Genomics Institute, Massachusetts Eye and Ear
Classification: Likely pathogenic for Retinitis pigmentosa 12. Last evaluated: 2021-04-08. Review status: criteria provided, single submitter. Criteria: ACMG Guidelines, 2015. Collection method: research. Allele origin: germline. Affected: yes.
Comment: Through a review of available evidence we were able to apply the following criteria: PVS1, PM2. Based on this evidence we have classified this variant as Likely pathogenic.

Literature cited by the submitters: PubMed 10508521 (cited by Labcorp Genetics (formerly Invitae), Labcorp); PubMed 22065545 (cited by Labcorp Genetics (formerly Invitae), Labcorp); PubMed 23379534 (cited by Labcorp Genetics (formerly Invitae), Labcorp); PubMed 25412400 (cited by Labcorp Genetics (formerly Invitae), Labcorp); PubMed 26957898 (cited by Labcorp Genetics (formerly Invitae), Labcorp); PubMed 28041643 (cited by Labcorp Genetics (formerly Invitae), Labcorp); PubMed 29391521 (cited by Labcorp Genetics (formerly Invitae), Labcorp).

NM_201253.3(CRB1):c.18del (p.Asn7fs)

Gene: CRB1 (crumbs cell polarity complex component 1; plus strand). Cytogenetic location: 1q31.3.
Variant type: Deletion.
Coding change: c.18del on transcript NM_201253.3 (MANE Select); coding-DNA position 18, one base deleted (T; older notation c.18delT).
Protein change: p.Asn7fs; shifts the reading frame from asparagine 7.
Molecular consequence: frameshift variant. On other transcripts: non-coding transcript variant (2), intron variant (1).
Genome position (GRCh38, 1-based): chr1:197,268,430, T deleted; the last of 2 consecutive T bases (chr1:197,268,429-197,268,430); deleting either gives the same sequence. VCF-style (leftmost placement, unchanged base first): chr1-197268428-AT-A. GRCh37 (hg19) VCF-style: chr1-197237558-AT-A.
Other names: c.18del, p.Asn7fs (NM_001193640.2, NM_001257966.2); c.-212-34010del (NM_001257965.2); short protein forms N7fs.
Identifiers: ClinVar variation 1065655 (VCV001065655.5), dbSNP rs2125193922, ClinGen allele CA2499214372.